The following is an entry in ClinVar:

ClinVar aggregate classification (germline): Uncertain significance. Review status: criteria provided, multiple submitters, no conflicts (2 of 4 stars). 2 submissions from 2 submitters: Uncertain significance (2). Last evaluated 2025-07-14.

Allele frequency attached by ClinVar (database versions not stated): ESP Exome Variant Server 0.00016; gnomAD 0.00001; TOPMed 0.00004; gnomAD exomes below 0.00001; ExAC 0.00001.
gnomAD v4.1: 5 of 1,614,014 alleles (0.00031%); highest among the groups gnomAD compares: African/African-American, 0.0067%; no homozygotes.

Submissions (2):

Dasa
Classification: Uncertain significance. Last evaluated: 2025-07-14. Review status: criteria provided, single submitter. Criteria: DASA Assertion Criteria. Collection method: clinical testing. Allele origin: germline.
Comment: NM_001304360.2(CFAP74):c.1181A>T (p.Lys394Met) is a missense variant that results in the substitution of lysine with methionine. This variant is rare in population databases. Computational prediction algorithms are consistent with a benign effect. The currently available literature and clinical evidence are not sufficient to establish a definitive association between this variant and the reported condition. Therefore, this variant is classified as a variant of uncertain significance.

Ambry Genetics
Classification: Uncertain significance. Last evaluated: 2022-09-06. Review status: criteria provided, single submitter. Criteria: Ambry Variant Classification Scheme 2023. Collection method: clinical testing. Allele origin: germline.

NM_001304360.2(CFAP74):c.1181A>T (p.Lys394Met)

Gene: CFAP74 (cilia and flagella associated protein 74; minus strand). Cytogenetic location: 1p36.33.
Variant type: single nucleotide variant.
Coding change: c.1181A>T on transcript NM_001304360.2 (MANE Select); coding-DNA position 1181, A replaced by T.
Protein change: p.Lys394Met; replaces lysine 394 with methionine.
Molecular consequence: missense variant.
Genome position (GRCh38, 1-based): chr1:1,968,699, T>A on the plus strand (A>T on the coding strand, the complement: CFAP74 is on the minus strand). VCF-style: chr1-1968699-T-A. GRCh37 (hg19) VCF-style: chr1-1900138-T-A.
Other names: NM_001080484.1:c.1181A>T; short protein forms K394M.
Identifiers: ClinVar variation 2310373 (VCV002310373.4), dbSNP rs372700636, ClinGen allele CA533875.